The following is an entry in ClinVar:

ClinVar aggregate classification (germline): Likely benign (1 of 4 stars; one submission).

Submission:

CeGaT Center for Human Genetics Tuebingen
Classification: Likely benign. Last evaluated: 2025-01-01. Review status: criteria provided, single submitter. Criteria: CeGaT Center For Human Genetics Tuebingen Variant Classification Criteria Version 2. Collection method: clinical testing. Allele origin: germline. Affected: yes. Observed: 1 variant allele.
Comment: BICD2: PM2:Supporting, BP4, BP7

NM_001003800.2(BICD2):c.48G>A (p.Glu16=)

Gene: BICD2 (BICD cargo adaptor 2; minus strand). Cytogenetic location: 9q22.31.
Variant type: single nucleotide variant.
Coding change: c.48G>A on transcript NM_001003800.2 (MANE Select); coding-DNA position 48, G replaced by A.
Protein change: p.Glu16=; no amino-acid change (glutamic acid 16 retained).
Molecular consequence: synonymous variant.
Genome position (GRCh38, 1-based): chr9:92,764,697, C>T on the plus strand (G>A on the coding strand, the complement: BICD2 is on the minus strand). VCF-style: chr9-92764697-C-T. GRCh37 (hg19) VCF-style: chr9-95526979-C-T.
Other names: c.48G>A, p.Glu16= (NM_015250.4).
Identifiers: ClinVar variation 3772229 (VCV003772229.13).